The following is an entry in ClinVar:

ClinVar aggregate classification (germline): Uncertain significance (1 of 4 stars; one submission).

Conditions:
Generalized epilepsy-paroxysmal dyskinesia syndrome (PNKD3). Also called: Generalized epilepsy and paroxysmal dyskinesia; Paroxysmal nonkinesigenic dyskinesia, 3, with or without generalized epilepsy. Identifiers: Orphanet 79137, MedGen C5574945, MONDO:0012276, OMIM 609446.

Allele frequency attached by ClinVar (database versions not stated): TOPMed below 0.00001.

Submission:

Labcorp Genetics (formerly Invitae), Labcorp
Classification: Uncertain significance for Generalized epilepsy-paroxysmal dyskinesia syndrome. Last evaluated: 2023-09-08. Review status: criteria provided, single submitter. Criteria: Invitae Variant Classification Sherloc (09022015). Collection method: clinical testing. Allele origin: germline.
Comment: In summary, the available evidence is currently insufficient to determine the role of this variant in disease. Therefore, it has been classified as a Variant of Uncertain Significance. Algorithms developed to predict the effect of sequence changes on RNA splicing suggest that this variant may disrupt the consensus splice site. ClinVar contains an entry for this variant (Variation ID: 2109512). This variant has not been reported in the literature in individuals affected with KCNMA1-related conditions. This variant is not present in population databases (gnomAD no frequency). This sequence change falls in intron 11 of the KCNMA1 gene. It does not directly change the encoded amino acid sequence of the KCNMA1 protein.

NM_001161352.2(KCNMA1):c.1441-7G>T

Gene: KCNMA1 (potassium calcium-activated channel subfamily M alpha 1; minus strand). Cytogenetic location: 10q22.3.
Variant type: single nucleotide variant.
Coding change: c.1441-7G>T on transcript NM_001161352.2 (MANE Select); 7 bases into the intron before coding-DNA position 1441, G replaced by T.
Molecular consequence: intron variant.
Genome position (GRCh38, 1-based): chr10:77,084,726, C>A on the plus strand (G>T on the coding strand, the complement: KCNMA1 is on the minus strand). VCF-style: chr10-77084726-C-A. GRCh37 (hg19) VCF-style: chr10-78844484-C-A.
Other names: c.1279-7G>T (NM_001271518.2); c.1441-7G>T (NM_001322832.2, NM_001322829.2, NM_001014797.3 and 7 more transcripts); c.901-7G>T (NM_001322838.2).
Identifiers: ClinVar variation 2109512 (VCV002109512.4), dbSNP rs2096654230, ClinGen allele CA1921220820.